The following is an entry in ClinVar:

ClinVar aggregate classification (germline): Conflicting classifications of pathogenicity. Review status: criteria provided, conflicting classifications (1 of 4 stars). 7 submissions from 7 submitters: Uncertain significance (2); Likely benign (3). 2 of the submissions do not count toward it. Last evaluated 2026-02-03.

Conditions:
TLR3-related disorder. Also called: TLR3-related condition.
Susceptibility to HIV infection. Also called: Human immunodeficiency virus type 1, susceptibility to; HUMAN IMMUNODEFICIENCY VIRUS TYPE 1, RESISTANCE TO; HIV-1, SUSCEPTIBILITY TO. Identifiers: MedGen C1836230, MONDO:0004951, OMIM 609423.
Immunodeficiency 83, susceptibility to viral infections. Identifiers: Orphanet 1930, MedGen C2751803, MONDO:0800187, OMIM 613002.
Multisystem inflammatory syndrome in children. Identifiers: MedGen C5391534.
Encephalopathy, acute, infection-induced (herpes-specific), susceptibility to, 1. Also called: Herpes simplex encephalitis, susceptibility to, 1. Identifiers: Orphanet 1930, MedGen C2750180, MONDO:0024563, OMIM 610551.

Allele frequency attached by ClinVar (database versions not stated): gnomAD 0.00165; ESP Exome Variant Server 0.00108; ExAC 0.00151; TOPMed 0.00169; 1000 Genomes Project 30x 0.00187; gnomAD exomes 0.00208 and 0.00148; 1000 Genomes Project 0.00200.

Submissions (7):

Labcorp Genetics (formerly Invitae), Labcorp
Classification: Likely benign for Encephalopathy, acute, infection-induced (herpes-specific), susceptibility to, 1. Last evaluated: 2026-02-03. Review status: criteria provided, single submitter. Criteria: Invitae Variant Classification Sherloc (09022015). Collection method: clinical testing. Allele origin: germline.

Blueprint Genetics
Classification: Likely benign. Last evaluated: 2024-11-13. Review status: criteria provided, single submitter. Criteria: ACMG Guidelines, 2015. Collection method: clinical testing. Allele origin: germline.

PreventionGenetics, part of Exact Sciences
Classification: Uncertain significance for TLR3-related condition. Last evaluated: 2024-10-14. Review status: criteria provided, single submitter. Criteria: ACMG Guidelines, 2015. Collection method: clinical testing. Allele origin: germline.
Comment: The TLR3 c.889C>G variant is predicted to result in the amino acid substitution p.Leu297Val. This variant has been reported in multiple individuals with herpes simplex encephalitis (Mørk et al. 2015. PubMed ID: 26513235; Sironi et al. 2017. PubMed ID: 28368532; Andersen et al. 2019. PubMed ID: 29217828; Supplementary Table 1 in Suspitsin et al. 2020. PubMed ID: 32441320). This variant is reported in 0.22% of alleles in individuals of European (Non-Finnish) descent in gnomAD, which is likely too frequent to be a primary cause of disease. Although we suspect that this variant may be benign, at this time, the clinical significance of this variant is uncertain due to the absence of conclusive functional and genetic evidence.

Fulgent Genetics
Classification: Uncertain significance for Susceptibility to HIV infection; Immunodeficiency 83, susceptibility to viral infections. Last evaluated: 2024-04-16. Review status: criteria provided, single submitter. Criteria: ACMG Guidelines, 2015. Collection method: clinical testing. Allele origin: germline.

Breakthrough Genomics
Classification: Likely benign. Review status: criteria provided, single submitter. Criteria: ACMG Guidelines, 2015. Collection method: not provided. Allele origin: germline. Inheritance: Autosomal dominant inheritance. Affected: yes.

Dubai Health Genomic Medicine Center, Dubai Health
Classification: risk factor for Multisystem inflammatory syndrome in children. Last evaluated: 2021-11-14. Review status: no assertion criteria provided. Collection method: research. Allele origin: germline. Affected: yes. Not counted in ClinVar's aggregate classification.

OMIM
Classification: risk factor for IMMUNODEFICIENCY 83, SUSCEPTIBILITY TO VIRAL INFECTIONS. Last evaluated: 2021-07-12. Review status: no assertion criteria provided. Collection method: literature only. Allele origin: germline. Not counted in ClinVar's aggregate classification.

Literature cited by the submitters: PubMed 26513235 (cited by OMIM); PubMed 28368532 (cited by OMIM).

NM_003265.3(TLR3):c.889C>G (p.Leu297Val)

Gene: TLR3 (toll like receptor 3; plus strand). Cytogenetic location: 4q35.1.
Variant type: single nucleotide variant.
Coding change: c.889C>G on transcript NM_003265.3 (MANE Select); coding-DNA position 889, C replaced by G.
Protein change: p.Leu297Val; replaces leucine 297 with valine.
Molecular consequence: missense variant.
Genome position (GRCh38, 1-based): chr4:186,082,575, C>G. VCF-style: chr4-186082575-C-G. GRCh37 (hg19) VCF-style: chr4-187003729-C-G.
Other names: short protein forms L297V.
Identifiers: ClinVar variation 495314 (VCV000495314.20), dbSNP rs35311343, ClinGen allele CA3161325.